The following is an entry in ClinVar:

NM_006891.4(CRYGD):c.152dup (p.Tyr51Ter)

Genes: CRYGD (crystallin gamma D; minus strand), LOC100507443 (uncharacterized LOC100507443; plus strand). Cytogenetic location: 2q33.3.
Variant type: Duplication.
Coding change: c.152dup on transcript NM_006891.4 (MANE Select); coding-DNA position 152, one base duplicated (A; older notation c.152dupA).
Protein change: p.Tyr51Ter; replaces tyrosine 51 with a stop codon.
Molecular consequence: nonsense.
Genome position (GRCh38, 1-based): chr2:208,124,212, T duplicated on the plus strand (A on the coding strand, the reverse complement: CRYGD is on the minus strand). VCF-style (leftmost placement, unchanged base first): chr2-208124211-G-GT. GRCh37 (hg19) VCF-style: chr2-208988935-G-GT.
Other names: short protein forms Y51*.
Identifiers: ClinVar variation 4880535 (VCV004880535.2).

ClinVar aggregate classification (germline): Likely pathogenic (1 of 4 stars; one submission).

Submission:

Dasa
Classification: Likely pathogenic. Last evaluated: 2025-06-27. Review status: criteria provided, single submitter. Criteria: DASA Assertion Criteria. Collection method: clinical testing. Allele origin: germline.
Comment: NM_006891.4(CRYGD):c.152dup (p.Tyr51*) is a frameshift variant in CRYGD predicted to alter the reading frame and introduce a premature termination codon and is predicted to result in an absent or altered protein product. Loss of function is an established disease mechanism for CRYGD-associated disorders. Also, this variant is rare in population databases. Based on the currently available evidence, this variant is classified as likely pathogenic.